The following is an entry in ClinVar:

NM_018294.6(CWF19L1):c.849+5G>A

Gene: CWF19L1 (CWF19 like cell cycle control factor 1; minus strand). Cytogenetic location: 10q24.31.
Variant type: single nucleotide variant.
Coding change: c.849+5G>A on transcript NM_018294.6 (MANE Select); 5 bases into the intron after coding-DNA position 849, G replaced by A.
Molecular consequence: intron variant.
Genome position (GRCh38, 1-based): chr10:100,246,790, C>T on the plus strand (G>A on the coding strand, the complement: CWF19L1 is on the minus strand). VCF-style: chr10-100246790-C-T. GRCh37 (hg19) VCF-style: chr10-102006547-C-T.
Other names: c.438+5G>A (NM_001303406.2, NM_001303405.2); c.114+5G>A (NM_001303407.2); c.849+5G>A (NM_001303404.2).
Identifiers: ClinVar variation 4534497 (VCV004534497.6).
Genomic context (GRCh38, chr10:100,246,790, plus strand): 5'-TATGTACTAAACTATAACTAGGAAAAGAACACATATAAAAATGCCAACCCTCAATCAGAA[C>T]ATACCACAGGGGCAAGAATTTGCTTTCCTATGGATGCTTCCTGCCCAGATTTTCTGTAAG-3'

ClinVar aggregate classification (germline): Uncertain significance (1 of 4 stars; one submission).

Submission:

CeGaT Center for Human Genetics Tuebingen
Classification: Uncertain significance. Last evaluated: 2025-09-01. Review status: criteria provided, single submitter. Criteria: CeGaT Center For Human Genetics Tuebingen Variant Classification Criteria Version 2. Collection method: clinical testing. Allele origin: germline. Affected: yes. Observed: 2 variant alleles.
Comment: CWF19L1: PM2, PM3:Supporting